The following is an entry in ClinVar:

NM_001563.4(IMPG1):c.1744G>C (p.Ala582Pro)

Gene: IMPG1 (interphotoreceptor matrix proteoglycan 1; minus strand). Cytogenetic location: 6q14.1.
Variant type: single nucleotide variant.
Coding change: c.1744G>C on transcript NM_001563.4 (MANE Select); coding-DNA position 1744, G replaced by C.
Protein change: p.Ala582Pro; replaces alanine 582 with proline.
Molecular consequence: missense variant.
Genome position (GRCh38, 1-based): chr6:75,950,642, C>G on the plus strand (G>C on the coding strand, the complement: IMPG1 is on the minus strand). VCF-style: chr6-75950642-C-G. GRCh37 (hg19) VCF-style: chr6-76660359-C-G.
Other names: c.1510G>C, p.Ala504Pro (NM_001282368.2); short protein forms A582P, A504P.
Identifiers: ClinVar variation 3662881 (VCV003662881.2).
Genomic context (GRCh38, chr6:75,950,642, plus strand): 5'-CCAGAGCTCGGTACTCCAGAGAGCTCTTGTTGAACAGGTCGTTGGAGAAGGCCATGTTAG[C>G]AACACGCAGACTGAAGAACACTACCAGCTCTCGGCCCTTGGGGGCAATGGTCATAGAACT-3'
Protein context (NP_001554.2, residues 572-592): ELVVFFSLRV[Ala582Pro]NMAFSNDLFN

ClinVar aggregate classification (germline): Uncertain significance (1 of 4 stars; one submission).

Submission:

Labcorp Genetics (formerly Invitae), Labcorp
Classification: Uncertain significance. Last evaluated: 2024-08-19. Review status: criteria provided, single submitter. Criteria: Invitae Variant Classification Sherloc (09022015). Collection method: clinical testing. Allele origin: germline.
Comment: This sequence change replaces alanine, which is neutral and non-polar, with proline, which is neutral and non-polar, at codon 582 of the IMPG1 protein (p.Ala582Pro). This variant is not present in population databases (gnomAD no frequency). This variant has not been reported in the literature in individuals affected with IMPG1-related conditions. An algorithm developed to predict the effect of missense changes on protein structure and function (PolyPhen-2) suggests that this variant is likely to be disruptive. In summary, the available evidence is currently insufficient to determine the role of this variant in disease. Therefore, it has been classified as a Variant of Uncertain Significance.